The following is an entry in ClinVar:

NM_058216.3(RAD51C):c.923C>G (p.Ala308Gly)

Gene: RAD51C (RAD51 paralog C; plus strand). Cytogenetic location: 17q22.
Variant type: single nucleotide variant.
Coding change: c.923C>G on transcript NM_058216.3 (MANE Select); coding-DNA position 923, C replaced by G.
Protein change: p.Ala308Gly; replaces alanine 308 with glycine.
Molecular consequence: missense variant. On other transcripts: non-coding transcript variant (1).
Genome position (GRCh38, 1-based): chr17:58,724,058, C>G. VCF-style: chr17-58724058-C-G. GRCh37 (hg19) VCF-style: chr17-56801419-C-G.
Other names: short protein forms A308G.
Identifiers: ClinVar variation 187133 (VCV000187133.26), dbSNP rs786203498, ClinGen allele CA196815.

ClinVar aggregate classification (germline): Conflicting classifications of pathogenicity. Review status: criteria provided, conflicting classifications (1 of 4 stars). 8 submissions from 8 submitters: Uncertain significance (7); Benign (1). Last evaluated 2026-05-03.

Conditions:
RAD51C-related disorder. Also called: RAD51C-related condition; RAD51C-related disorders.
Breast-ovarian cancer, familial, susceptibility to, 3. Also called: RAD51C-Related Breast/Ovarian Cancer. Identifiers: Orphanet 145, MedGen C3150659, MONDO:0013253, OMIM 613399.
Fanconi anemia complementation group O. Also called: RAD51C-Related Fanconi Anemia. Identifiers: Orphanet 84, MedGen C3150653, MONDO:0013248, OMIM 613390.
Hereditary cancer-predisposing syndrome. Also called: Neoplastic Syndromes, Hereditary; Tumor predisposition; Hereditary neoplastic syndrome; Hereditary Cancer Syndrome. Identifiers: Orphanet 140162, MedGen C0027672, MeSH D009386, MONDO:0015356.

Allele frequency attached by ClinVar (database versions not stated): gnomAD exomes below 0.00001; gnomAD 0.00001 and 0.00002; TOPMed 0.00003.
gnomAD v4.1: 8 of 1,613,092 alleles (0.0005%); highest among the groups gnomAD compares: African/African-American, 0.011%; no homozygotes.

Submissions (8):

PreventionGenetics, part of Exact Sciences
Classification: Uncertain significance for RAD51C-related condition. Last evaluated: 2026-05-03. Review status: criteria provided, single submitter. Criteria: ACMG Guidelines, 2015. Collection method: clinical testing. Allele origin: germline.
Comment: The RAD51C c.923C>G variant is predicted to result in the amino acid substitution p.Ala308Gly. To our knowledge, this variant has not been reported in affected individuals in the literature. This variant is reported in 0.0062% of alleles in individuals of African descent in gnomAD. This variant has conflicting classifications in ClinVar, ranging from uncertain significance to benign (Variation ID: 187133). At this time, the clinical significance of this variant is uncertain due to the absence of conclusive functional and genetic evidence.

Labcorp Genetics (formerly Invitae), Labcorp
Classification: Uncertain significance for Fanconi anemia complementation group O. Last evaluated: 2025-12-09. Review status: criteria provided, single submitter. Criteria: Invitae Variant Classification Sherloc (09022015). Collection method: clinical testing. Allele origin: germline.
Comment: This sequence change replaces alanine, which is neutral and non-polar, with glycine, which is neutral and non-polar, at codon 308 of the RAD51C protein (p.Ala308Gly). This variant is present in population databases (rs786203498, gnomAD 0.007%). This variant has not been reported in the literature in individuals affected with RAD51C-related conditions. ClinVar contains an entry for this variant (Variation ID: 187133). Invitae Evidence Modeling of protein sequence and biophysical properties (such as structural, functional, and spatial information, amino acid conservation, physicochemical variation, residue mobility, and thermodynamic stability) indicates that this missense variant is not expected to disrupt RAD51C protein function with a negative predictive value of 80%. In summary, the available evidence is currently insufficient to determine the role of this variant in disease. Therefore, it has been classified as a Variant of Uncertain Significance.

Ambry Genetics
Classification: Benign for Hereditary cancer-predisposing syndrome. Last evaluated: 2025-10-08. Review status: criteria provided, single submitter. Criteria: Ambry Variant Classification Scheme 2023. Collection method: clinical testing. Allele origin: germline.

Quest Diagnostics Nichols Institute San Juan Capistrano
Classification: Uncertain significance. Last evaluated: 2025-04-02. Review status: criteria provided, single submitter. Criteria: Quest Diagnostics criteria. Collection method: clinical testing. Allele origin: unknown.
Comment: The RAD51C c.923C>G (p.Ala308Gly) variant has not been reported in individuals with RAD51C-related conditions in the published literature. The frequency of this variant in the general population (Genome Aggregation Database) is uninformative in the assessment of its pathogenicity. Analysis of this variant using bioinformatics tools for the prediction of the effect of amino acid changes on protein structure and function yielded predictions that this variant is benign. Based on the available information, we are unable to determine the clinical significance of this variant.

GeneDx
Classification: Uncertain significance. Last evaluated: 2024-08-23. Review status: criteria provided, single submitter. Criteria: GeneDx Variant Classification Process June 2021. Collection method: clinical testing. Allele origin: germline. Affected: yes.
Comment: Not observed at significant frequency in large population cohorts (gnomAD); In silico analysis supports that this missense variant has a deleterious effect on protein structure/function; Has not been previously published as pathogenic or benign to our knowledge; This variant is associated with the following publications: (PMID: 14704354)

Baylor Genetics
Classification: Uncertain significance for Breast-ovarian cancer, familial, susceptibility to, 3. Last evaluated: 2023-08-05. Review status: criteria provided, single submitter. Criteria: ACMG Guidelines, 2015. Collection method: clinical testing. Allele origin: unknown.

Fulgent Genetics
Classification: Uncertain significance for Fanconi anemia complementation group O; Breast-ovarian cancer, familial, susceptibility to, 3. Last evaluated: 2021-11-09. Review status: criteria provided, single submitter. Criteria: ACMG Guidelines, 2015. Collection method: clinical testing. Allele origin: unknown.

Color Diagnostics, LLC DBA Color Health
Classification: Uncertain significance for Hereditary cancer-predisposing syndrome. Last evaluated: 2019-04-12. Review status: criteria provided, single submitter. Criteria: ACMG Guidelines, 2015. Collection method: clinical testing. Allele origin: germline.

Literature cited by the submitters: PubMed 32832836 (cited by Quest Diagnostics Nichols Institute San Juan Capistrano).